The following is an entry in ClinVar:

NM_007294.4(BRCA1):c.441+4A>G

Gene: BRCA1 (BRCA1 DNA repair associated; minus strand). Cytogenetic location: 17q21.31.
Variant type: single nucleotide variant.
Coding change: c.441+4A>G on transcript NM_007294.4 (MANE Select); 4 bases into the intron after coding-DNA position 441, A replaced by G.
Molecular consequence: intron variant.
Genome position (GRCh38, 1-based): chr17:43,104,118, T>C on the plus strand (A>G on the coding strand, the complement: BRCA1 is on the minus strand). VCF-style: chr17-43104118-T-C. GRCh37 (hg19) VCF-style: chr17-41256135-T-C.
Other names: c.300+4A>G (NM_001408458.1, NM_001407931.1, NM_001407747.1 and 99 more transcripts); c.-218-9258A>G (NM_001407967.1, NM_001407966.1); c.60+4A>G (NM_001407959.1, NM_001407962.1, NM_001408512.1 and 4 more transcripts); c.231+4A>G (NM_001407885.1, NM_001407886.1, NM_001407898.1 and 58 more transcripts); c.441+4A>G (NM_001407686.1, NM_001408397.1, NM_001407632.1 and 164 more transcripts); c.309+4A>G (NM_001408451.1); c.363+4A>G (NM_001408475.1, NM_001407875.1, NM_001407659.1 and 21 more transcripts); c.432+4A>G (NM_001408408.1, NM_001407647.1, NM_001407646.1).
Identifiers: ClinVar variation 839092 (VCV000839092.9), dbSNP rs2054615809, ClinGen allele CA916080225.

ClinVar aggregate classification (germline): Uncertain significance (1 of 4 stars; one submission).

Conditions:
Hereditary breast ovarian cancer syndrome. Also called: Hereditary breast and ovarian cancer syndrome (HBOC); Hereditary breast and ovarian cancer; Hereditary breast and/or ovarian cancer syndrome; Hereditary breast and ovarian cancer syndrome; Breast and ovarian cancer; BRCA1- and BRCA2-Associated Hereditary Breast and Ovarian Cancer. Identifiers: Orphanet 145, MedGen C0677776, MeSH D061325, MONDO:0003582. Disease mechanism: loss of function.

Submission:

Labcorp Genetics (formerly Invitae), Labcorp
Classification: Uncertain significance for Hereditary breast ovarian cancer syndrome. Last evaluated: 2019-12-06. Review status: criteria provided, single submitter. Criteria: Invitae Variant Classification Sherloc (09022015). Collection method: clinical testing. Allele origin: germline.
Comment: Nucleotide substitutions within the consensus splice site are a relatively common cause of aberrant splicing (PMID: 17576681, 9536098). Algorithms developed to predict the effect of sequence changes on RNA splicing suggest that this variant may disrupt the consensus splice site, but this prediction has not been confirmed by published transcriptional studies. In summary, the available evidence is currently insufficient to determine the role of this variant in disease. Therefore, it has been classified as a Variant of Uncertain Significance. This variant has not been reported in the literature in individuals with BRCA1-related conditions. This variant is not present in population databases (ExAC no frequency). This sequence change falls in intron 6 of the BRCA1 gene. It does not directly change the encoded amino acid sequence of the BRCA1 protein, but it affects a nucleotide within the consensus splice site of the intron.

Literature cited by the submitters: PubMed 17576681; PubMed 9536098.